The following is an entry in ClinVar:

ClinVar aggregate classification (germline): Uncertain significance. Review status: criteria provided, multiple submitters, no conflicts (2 of 4 stars). 2 submissions from 2 submitters: Uncertain significance (2). Last evaluated 2024-08-28.

Allele frequency attached by ClinVar (database versions not stated): ExAC 0.00005; TOPMed 0.00005.
gnomAD v4.1: 21 of 1,551,460 alleles (0.0014%); highest among the groups gnomAD compares: East Asian, 0.02%; no homozygotes.

Submissions (2):

Labcorp Genetics (formerly Invitae), Labcorp
Classification: Uncertain significance. Last evaluated: 2024-08-28. Review status: criteria provided, single submitter. Criteria: Invitae Variant Classification Sherloc (09022015). Collection method: clinical testing. Allele origin: germline.
Comment: This sequence change replaces proline, which is neutral and non-polar, with leucine, which is neutral and non-polar, at codon 291 of the FOXI3 protein (p.Pro291Leu). This variant is present in population databases (rs779671232, gnomAD 0.007%). This variant has not been reported in the literature in individuals affected with FOXI3-related conditions. ClinVar contains an entry for this variant (Variation ID: 2082977). Experimental studies and prediction algorithms are not available or were not evaluated, and the functional significance of this variant is currently unknown. In summary, the available evidence is currently insufficient to determine the role of this variant in disease. Therefore, it has been classified as a Variant of Uncertain Significance.

CeGaT Center for Human Genetics Tuebingen
Classification: Uncertain significance. Last evaluated: 2022-09-01. Review status: criteria provided, single submitter. Criteria: CeGaT Center For Human Genetics Tuebingen Variant Classification Criteria Version 2. Collection method: clinical testing. Allele origin: germline. Affected: yes. Observed: 1 variant allele.
Comment: FOXI3: PM2, BP4

NM_001135649.3(FOXI3):c.872C>T (p.Pro291Leu)

Gene: FOXI3 (forkhead box I3; minus strand). Cytogenetic location: 2p11.2.
Variant type: single nucleotide variant.
Coding change: c.872C>T on transcript NM_001135649.3 (MANE Select); coding-DNA position 872, C replaced by T.
Protein change: p.Pro291Leu; replaces proline 291 with leucine.
Molecular consequence: missense variant.
Genome position (GRCh38, 1-based): chr2:88,448,598, G>A on the plus strand (C>T on the coding strand, the complement: FOXI3 is on the minus strand). VCF-style: chr2-88448598-G-A. GRCh37 (hg19) VCF-style: chr2-88748117-G-A.
Other names: short protein forms P291L.
Identifiers: ClinVar variation 2082977 (VCV002082977.28), dbSNP rs779671232, ClinGen allele CA1753987.
Genomic context (GRCh38, chr2:88,448,598, plus strand): 5'-CAAGGGGTGGAGGTGAGCATGGGTCCTCCAGGAGATGAGGCAGTACTCTTGGTGCCCTCC[G>A]GAGGCTCTGGGGAGTGGGAAGGCCTCAGCAGAGTGGAGGGGCTCTCTTCTTCTGGCTTCC-3'
Protein context (NP_001129121.1, residues 281-301): LLRPSHSPEP[Pro291Leu]EGTKSTASSP